The following is an entry in ClinVar:

NM_207122.2(EXT2):c.1681G>C (p.Asp561His)

Gene: EXT2 (exostosin glycosyltransferase 2; plus strand). Cytogenetic location: 11p11.2.
Variant type: single nucleotide variant.
Coding change: c.1681G>C on transcript NM_207122.2 (MANE Select); coding-DNA position 1681, G replaced by C.
Protein change: p.Asp561His; replaces aspartic acid 561 with histidine.
Molecular consequence: missense variant.
Genome position (GRCh38, 1-based): chr11:44,232,371, G>C. VCF-style: chr11-44232371-G-C. GRCh37 (hg19) VCF-style: chr11-44253921-G-C.
Other names: c.1681G>C (NM_207122.1); c.1780G>C, p.Asp594His (NM_000401.3); c.1711G>C, p.Asp571His (NM_001178083.3); short protein forms D561H, D571H, D594H.
Identifiers: ClinVar variation 1165219 (VCV001165219.12), dbSNP rs151291188, ClinGen allele CA5955334.

ClinVar aggregate classification (germline): Conflicting classifications of pathogenicity. Review status: criteria provided, conflicting classifications (1 of 4 stars). 3 submissions from 3 submitters: Uncertain significance (2); Benign (1). Last evaluated 2026-01-12.

Conditions:
Inborn genetic diseases. Identifiers: MedGen C0950123, MeSH D030342.
Exostoses, multiple, type 2 (EXT2). Also called: Hereditary Multiple Osteochondromatosis, Type II; EXOSTOSES, MULTIPLE, TYPE II. Identifiers: Orphanet 321, MedGen C1851413, MONDO:0007586, OMIM 133701.

Allele frequency attached by ClinVar (database versions not stated): ESP Exome Variant Server 0.00008; ExAC 0.00009; gnomAD exomes 0.00006; gnomAD 0.00003; TOPMed 0.00006.
gnomAD v4.1: 46 of 1,613,866 alleles (0.0029%); highest among the groups gnomAD compares: Middle Eastern, 0.082%; no homozygotes.

Submissions (3):

Dasa
Classification: Uncertain significance. Last evaluated: 2026-01-12. Review status: criteria provided, single submitter. Criteria: DASA Assertion Criteria. Collection method: clinical testing. Allele origin: germline.
Comment: NM_207122.2(EXT2):c.1681G>C (p.Asp561His) is a missense variant that results in the substitution of aspartic acid with histidine. This variant is rare in population databases. Computational prediction algorithms are consistent with a deleterious effect. The currently available literature and clinical evidence are not sufficient to establish a definitive association between this variant and the reported condition. Therefore, this variant is classified as a variant of uncertain significance.

Labcorp Genetics (formerly Invitae), Labcorp
Classification: Benign for Exostoses, multiple, type 2. Last evaluated: 2025-09-27. Review status: criteria provided, single submitter. Criteria: Invitae Variant Classification Sherloc (09022015). Collection method: clinical testing. Allele origin: germline.

Ambry Genetics
Classification: Uncertain significance for Inborn genetic diseases. Last evaluated: 2025-01-03. Review status: criteria provided, single submitter. Criteria: Ambry Variant Classification Scheme 2023. Collection method: clinical testing. Allele origin: germline.